The following is an entry in ClinVar:

NM_138927.4(SON):c.3100A>G (p.Met1034Val)

Gene: SON (SON DNA and RNA binding protein; plus strand). Cytogenetic location: 21q22.11.
Variant type: single nucleotide variant.
Coding change: c.3100A>G on transcript NM_138927.4 (MANE Select); coding-DNA position 3100, A replaced by G.
Protein change: p.Met1034Val; replaces methionine 1034 with valine.
Molecular consequence: missense variant. On other transcripts: non-coding transcript variant (1), intron variant (1).
Genome position (GRCh38, 1-based): chr21:33,552,331, A>G. VCF-style: chr21-33552331-A-G. GRCh37 (hg19) VCF-style: chr21-34924637-A-G.
Other names: c.3100A>G, p.Met1034Val (NM_001291411.2, NM_032195.3); c.245-4825A>G (NM_001291412.3); short protein forms M1034V.
Identifiers: ClinVar variation 3365796 (VCV003365796.1).

ClinVar aggregate classification (germline): Uncertain significance (1 of 4 stars; one submission).

Submission:

GeneDx
Classification: Uncertain significance. Last evaluated: 2023-12-21. Review status: criteria provided, single submitter. Criteria: GeneDx Variant Classification Process June 2021. Collection method: clinical testing. Allele origin: germline. Affected: yes.
Comment: Not observed at significant frequency in large population cohorts (gnomAD); In silico analysis supports that this missense variant does not alter protein structure/function; Has not been previously published as pathogenic or benign to our knowledge